The following is an entry in ClinVar:

NM_000038.6(APC):c.4085C>A (p.Ser1362Tyr)

Gene: APC (APC regulator of Wnt signaling pathway; plus strand). Cytogenetic location: 5q22.2.
Variant type: single nucleotide variant.
Coding change: c.4085C>A on transcript NM_000038.6 (MANE Select); coding-DNA position 4085, C replaced by A.
Protein change: p.Ser1362Tyr; replaces serine 1362 with tyrosine.
Molecular consequence: missense variant. On other transcripts: non-coding transcript variant (2).
Genome position (GRCh38, 1-based): chr5:112,839,679, C>A. VCF-style: chr5-112839679-C-A. GRCh37 (hg19) VCF-style: chr5-112175376-C-A.
Other names: c.4085C>A, p.Ser1362Tyr (NM_001127510.3, NM_001354895.2, NM_001407450.1); c.4031C>A, p.Ser1344Tyr (NM_001127511.3); c.4139C>A, p.Ser1380Tyr (NM_001354896.2, NM_001407447.1, NM_001407448.1 and 1 more transcripts); c.4115C>A, p.Ser1372Tyr (NM_001354897.2); c.4010C>A, p.Ser1337Tyr (NM_001354898.2); c.4001C>A, p.Ser1334Tyr (NM_001354899.2); c.3962C>A, p.Ser1321Tyr (NM_001354900.2); c.3908C>A, p.Ser1303Tyr (NM_001354901.2, NM_001407453.1); and 11 more; short protein forms S1236Y, S1355Y, S1233Y, S1271Y, S1303Y, S1344Y, S1362Y, S1372Y.
Identifiers: ClinVar variation 3127714 (VCV003127714.2), dbSNP rs1765597797, ClinGen allele CA16030278.

ClinVar aggregate classification (germline): Uncertain significance (1 of 4 stars; one submission).

Conditions:
Hereditary cancer-predisposing syndrome. Also called: Tumor predisposition; Hereditary Cancer Syndrome; Neoplastic Syndromes, Hereditary; Hereditary neoplastic syndrome. Identifiers: Orphanet 140162, MedGen C0027672, MeSH D009386, MONDO:0015356.

Submission:

Ambry Genetics
Classification: Uncertain significance for Hereditary cancer-predisposing syndrome. Last evaluated: 2026-07-07. Review status: criteria provided, single submitter. Criteria: Ambry Variant Classification Scheme 2023. Collection method: clinical testing. Allele origin: germline.
Comment: The p.S1362Y variant (also known as c.4085C>A), located in coding exon 15 of the APC gene, results from a C to A substitution at nucleotide position 4085. The serine at codon 1362 is replaced by tyrosine, an amino acid with dissimilar properties. This amino acid position is conserved. In addition, in silico predictors for this gene do not accurately predict pathogenicity. Based on the available evidence, the clinical significance of this variant remains unclear.